The following is an entry in ClinVar:

NM_003235.5(TG):c.554C>T (p.Ala185Val)

Gene: TG (thyroglobulin; plus strand). Cytogenetic location: 8q24.22.
Variant type: single nucleotide variant.
Coding change: c.554C>T on transcript NM_003235.5 (MANE Select); coding-DNA position 554, C replaced by T.
Protein change: p.Ala185Val; replaces alanine 185 with valine.
Molecular consequence: missense variant.
Genome position (GRCh38, 1-based): chr8:132,873,137, C>T. VCF-style: chr8-132873137-C-T. GRCh37 (hg19) VCF-style: chr8-133885382-C-T.
Other names: short protein forms A185V.
Identifiers: ClinVar variation 361909 (VCV000361909.6), dbSNP rs142432006, ClinGen allele CA4882950.

ClinVar aggregate classification (germline): Uncertain significance. Review status: criteria provided, multiple submitters, no conflicts (2 of 4 stars). 2 submissions from 2 submitters: Uncertain significance (2). Last evaluated 2022-12-06.

Conditions:
Iodotyrosyl coupling defect (TDH3). Also called: HYPOTHYROIDISM, CONGENITAL, DUE TO DYSHORMONOGENESIS, 3; THYROID HORMONOGENESIS, GENETIC DEFECT IN, 3. Identifiers: Orphanet 95716, MedGen C0342194, MONDO:0010135, OMIM 274700.

Allele frequency attached by ClinVar (database versions not stated): gnomAD exomes 0.00004 and 0.00010; gnomAD 0.00006; TOPMed 0.00006; ESP Exome Variant Server 0.00008; ExAC 0.00010; 1000 Genomes Project 30x 0.00031.
gnomAD v4.1: 71 of 1,614,112 alleles (0.0044%); highest among the groups gnomAD compares: Admixed American, 0.022%; no homozygotes.

Submissions (2):

GeneDx
Classification: Uncertain significance. Last evaluated: 2022-12-06. Review status: criteria provided, single submitter. Criteria: GeneDx Variant Classification Process June 2021. Collection method: clinical testing. Allele origin: germline. Affected: yes.
Comment: In silico analysis supports that this missense variant does not alter protein structure/function; Has not been previously published as pathogenic or benign to our knowledge

Illumina Laboratory Services, Illumina
Classification: Uncertain significance for Iodotyrosyl coupling defect. Last evaluated: 2018-01-12. Review status: criteria provided, single submitter. Criteria: ICSL Variant Classification Criteria 13 December 2019. Collection method: clinical testing. Allele origin: germline.